The following is an entry in ClinVar:

ClinVar aggregate classification (germline): Uncertain significance (1 of 4 stars; one submission).

Conditions:
Hereditary breast ovarian cancer syndrome. Also called: Hereditary breast and ovarian cancer syndrome (HBOC); Hereditary breast and ovarian cancer syndrome; Breast and ovarian cancer; Hereditary breast and/or ovarian cancer syndrome; Hereditary breast and ovarian cancer; BRCA1- and BRCA2-Associated Hereditary Breast and Ovarian Cancer. Identifiers: Orphanet 145, MedGen C0677776, MeSH D061325, MONDO:0003582. Disease mechanism: loss of function.

Submission:

Labcorp Genetics (formerly Invitae), Labcorp
Classification: Uncertain significance for Hereditary breast ovarian cancer syndrome. Last evaluated: 2017-06-30. Review status: criteria provided, single submitter. Criteria: Invitae Variant Classification Sherloc (09022015). Collection method: clinical testing. Allele origin: germline.
Comment: This variant has not been reported in the literature in individuals with BRCA1-related disease. Algorithms developed to predict the effect of missense changes on protein structure and function output the following: SIFT: "Tolerated"; PolyPhen-2: "Probably Damaging"; Align-GVGD: "Class C0". The arginine amino acid residue is found in multiple mammalian species, suggesting that this missense change does not adversely affect protein function. These predictions have not been confirmed by published functional studies and their clinical significance is uncertain. In summary, the available evidence is currently insufficient to determine the role of this variant in disease. Therefore, it has been classified as a Variant of Uncertain Significance. This variant is not present in population databases (ExAC no frequency). This sequence change replaces histidine with arginine at codon 1862 of the BRCA1 protein (p.His1862Arg). The histidine residue is weakly conserved and there is a small physicochemical difference between histidine and arginine.

NM_007294.4(BRCA1):c.5585A>G (p.His1862Arg)

Gene: BRCA1 (BRCA1 DNA repair associated; minus strand). Cytogenetic location: 17q21.31.
Variant type: single nucleotide variant.
Coding change: c.5585A>G on transcript NM_007294.4 (MANE Select); coding-DNA position 5585, A replaced by G.
Protein change: p.His1862Arg; replaces histidine 1862 with arginine.
Molecular consequence: missense variant. On other transcripts: 3 prime UTR variant (1), non-coding transcript variant (1).
Genome position (GRCh38, 1-based): chr17:43,045,685, T>C on the plus strand (A>G on the coding strand, the complement: BRCA1 is on the minus strand). VCF-style: chr17-43045685-T-C. GRCh37 (hg19) VCF-style: chr17-41197702-T-C.
Other names: c.5441A>G, p.His1814Arg (NM_001407748.1, NM_001407750.1, NM_001407751.1 and 18 more transcripts); c.5438A>G, p.His1813Arg (NM_001407839.1, NM_001407838.1, NM_001407841.1 and 12 more transcripts); c.2267A>G, p.His756Arg (NM_001408407.1, NM_001408408.1, NM_001408406.1); c.2264A>G, p.His755Arg (NM_001408409.1); c.2201A>G, p.His734Arg (NM_001408410.1); c.2198A>G, p.His733Arg (NM_001408411.1); c.2195A>G, p.His732Arg (NM_001408412.1, NM_001408413.1, NM_001408414.1 and 2 more transcripts); c.2159A>G, p.His720Arg (NM_001408418.1, NM_001408419.1, NM_001408420.1); and 74 more; short protein forms H1862R, H758R, H1815R, H1883R, H1565R, H1750R, H1773R, H1791R.
Identifiers: ClinVar variation 462678 (VCV000462678.10), dbSNP rs80357183, ClinGen allele CA10590154.